The following is an entry in ClinVar:

NM_001127649.3(PEX26):c.381A>T (p.Leu127Phe)

Gene: PEX26 (peroxisomal biogenesis factor 26; plus strand). Cytogenetic location: 22q11.21.
Variant type: single nucleotide variant.
Coding change: c.381A>T on transcript NM_001127649.3 (MANE Select); coding-DNA position 381, A replaced by T.
Protein change: p.Leu127Phe; replaces leucine 127 with phenylalanine.
Molecular consequence: missense variant.
Genome position (GRCh38, 1-based): chr22:18,083,446, A>T. VCF-style: chr22-18083446-A-T. GRCh37 (hg19) VCF-style: chr22-18566212-A-T.
Other names: c.381A>T, p.Leu127Phe (NM_001199319.2, NM_017929.6); short protein forms L127F.
Identifiers: ClinVar variation 937674 (VCV000937674.9), dbSNP rs781745366, ClinGen allele CA410267087.

ClinVar aggregate classification (germline): Uncertain significance (1 of 4 stars; one submission).

Conditions:
Peroxisome biogenesis disorder 7A (Zellweger). Also called: Peroxisome biogenesis disorder 7A. Identifiers: Orphanet 912, MedGen C3888385, MONDO:0013938, OMIM 614872.
Peroxisome biogenesis disorder 7B (PBD7B). Identifiers: Orphanet 44, MedGen C3553951, MONDO:0013939, OMIM 614873.

gnomAD v4.1: 1 of 1,614,006 alleles (0.000062%); highest among the groups gnomAD compares: Non-Finnish European, 0.000085%; no homozygotes.

Submission:

Labcorp Genetics (formerly Invitae), Labcorp
Classification: Uncertain significance for Peroxisome biogenesis disorder 7A (Zellweger); Peroxisome biogenesis disorder 7B. Last evaluated: 2019-09-25. Review status: criteria provided, single submitter. Criteria: Invitae Variant Classification Sherloc (09022015). Collection method: clinical testing. Allele origin: germline.
Comment: This variant has not been reported in the literature in individuals with PEX26-related conditions. In summary, the available evidence is currently insufficient to determine the role of this variant in disease. Therefore, it has been classified as a Variant of Uncertain Significance. Algorithms developed to predict the effect of missense changes on protein structure and function are either unavailable or do not agree on the potential impact of this missense change (SIFT: "Deleterious"; PolyPhen-2: "Probably Damaging"; Align-GVGD: "Class C15"). This variant is not present in population databases (ExAC no frequency). This sequence change replaces leucine with phenylalanine at codon 127 of the PEX26 protein (p.Leu127Phe). The leucine residue is highly conserved and there is a small physicochemical difference between leucine and phenylalanine.